The following is an entry in ClinVar:

ClinVar aggregate classification (germline): Uncertain significance. Review status: criteria provided, multiple submitters, no conflicts (2 of 4 stars). 3 submissions from 3 submitters: Uncertain significance (3). Last evaluated 2023-10-31.

Conditions:
Hereditary diffuse gastric adenocarcinoma (HDGC). Also called: DIFFUSE GASTRIC AND LOBULAR BREAST CANCER SYNDROME. Identifiers: Orphanet 26106, MedGen C1708349, MONDO:0007648, OMIM 137215.
Hereditary cancer-predisposing syndrome. Also called: Hereditary neoplastic syndrome; Neoplastic Syndromes, Hereditary; Hereditary Cancer Syndrome; Tumor predisposition. Identifiers: Orphanet 140162, MedGen C0027672, MeSH D009386, MONDO:0015356.

Allele frequency attached by ClinVar (database versions not stated): TOPMed below 0.00001; gnomAD 0.00001.
gnomAD v4.1: 2 of 1,614,030 alleles (0.00012%); highest among the groups gnomAD compares: Non-Finnish European, 0.000085%; no homozygotes.

Submissions (3):

Color Diagnostics, LLC DBA Color Health
Classification: Uncertain significance for Hereditary cancer-predisposing syndrome. Last evaluated: 2023-10-31. Review status: criteria provided, single submitter. Criteria: ACMG Guidelines, 2015. Collection method: clinical testing. Allele origin: germline.
Comment: This missense variant replaces aspartic acid with glutamic acid at codon 756 of the CDH1 protein. To our knowledge, functional studies have not been reported for this variant. This variant has not been reported in individuals affected with CDH1-related disorders in the literature. This variant has not been identified in the general population by the Genome Aggregation Database (gnomAD). The available evidence is insufficient to determine the role of this variant in disease conclusively. Therefore, this variant is classified as a Variant of Uncertain Significance.

Ambry Genetics
Classification: Uncertain significance for Hereditary cancer-predisposing syndrome. Last evaluated: 2023-04-06. Review status: criteria provided, single submitter. Criteria: Ambry Variant Classification Scheme 2023. Collection method: clinical testing. Allele origin: germline.
Comment: The p.D756E variant (also known as c.2268T>G), located in coding exon 14 of the CDH1 gene, results from a T to G substitution at nucleotide position 2268. The aspartic acid at codon 756 is replaced by glutamic acid, an amino acid with highly similar properties. This variant was identified in 1/937 Chinese breast cancer patients undergoing multigene panel testing (Li JY et al. Int J Cancer, 2019 Jan;144:281-289). This amino acid position is highly conserved in available vertebrate species. In addition, the in silico prediction for this alteration is inconclusive. Since supporting evidence is limited at this time, the clinical significance of this alteration remains unclear.

Labcorp Genetics (formerly Invitae), Labcorp
Classification: Uncertain significance for Hereditary diffuse gastric adenocarcinoma. Last evaluated: 2021-08-28. Review status: criteria provided, single submitter. Criteria: Invitae Variant Classification Sherloc (09022015). Collection method: clinical testing. Allele origin: germline.
Comment: This sequence change replaces aspartic acid with glutamic acid at codon 756 of the CDH1 protein (p.Asp756Glu). The aspartic acid residue is highly conserved and there is a small physicochemical difference between aspartic acid and glutamic acid. This variant is not present in population databases (ExAC no frequency). This variant has not been reported in the literature in individuals affected with CDH1-related conditions. Algorithms developed to predict the effect of missense changes on protein structure and function (SIFT, PolyPhen-2, Align-GVGD) all suggest that this variant is likely to be disruptive. In summary, the available evidence is currently insufficient to determine the role of this variant in disease. Therefore, it has been classified as a Variant of Uncertain Significance.

Literature cited by the submitters: PubMed 29752822 (cited by Ambry Genetics).

NM_004360.5(CDH1):c.2268T>G (p.Asp756Glu)

Gene: CDH1 (cadherin 1; plus strand). Cytogenetic location: 16q22.1.
Variant type: single nucleotide variant.
Coding change: c.2268T>G on transcript NM_004360.5 (MANE Select); coding-DNA position 2268, T replaced by G.
Protein change: p.Asp756Glu; replaces aspartic acid 756 with glutamic acid.
Molecular consequence: missense variant.
Genome position (GRCh38, 1-based): chr16:68,828,277, T>G. VCF-style: chr16-68828277-T-G. GRCh37 (hg19) VCF-style: chr16-68862180-T-G.
Other names: c.2085T>G, p.Asp695Glu (NM_001317184.2); c.720T>G, p.Asp240Glu (NM_001317185.2); c.303T>G, p.Asp101Glu (NM_001317186.2); c.2268T>G (LRG_301t1); short protein forms D756E, D240E, D101E, D695E.
Identifiers: ClinVar variation 571018 (VCV000571018.12), dbSNP rs1567515480, ClinGen allele CA396469981.